The following is an entry in ClinVar:

NM_001330360.2(POLA1):c.455C>T (p.Thr152Ile)

Gene: POLA1 (DNA polymerase alpha 1, catalytic subunit; plus strand). Cytogenetic location: Xp22.11.
Variant type: single nucleotide variant.
Coding change: c.455C>T on transcript NM_001330360.2 (MANE Select); coding-DNA position 455, C replaced by T.
Protein change: p.Thr152Ile; replaces threonine 152 with isoleucine.
Molecular consequence: missense variant. On other transcripts: non-coding transcript variant (2).
Genome position (GRCh38, 1-based): chrX:24,714,662, C>T. VCF-style: chrX-24714662-C-T. GRCh37 (hg19) VCF-style: chrX-24732779-C-T.
Other names: c.455C>T, p.Thr152Ile (NM_001378303.1); c.437C>T, p.Thr146Ile (NM_016937.4); c.437C>T (NM_016937.3); short protein forms T146I, T152I.
Identifiers: ClinVar variation 1018458 (VCV001018458.32), dbSNP rs767564863, ClinGen allele CA10372783.

ClinVar aggregate classification (germline): Conflicting classifications of pathogenicity. Review status: criteria provided, conflicting classifications (1 of 4 stars). 3 submissions from 3 submitters: Uncertain significance (1); Likely benign (2). Last evaluated 2025-10-10.

Conditions:
Inborn genetic diseases. Identifiers: MedGen C0950123, MeSH D030342.

Allele frequency attached by ClinVar (database versions not stated): TOPMed 0.00006; ExAC below 0.00001; gnomAD exomes 0.00003 and 0.00004; gnomAD 0.00004 and 0.00005.
gnomAD v4.1: 53 of 1,120,029 alleles (0.0047%); highest among the groups gnomAD compares: Middle Eastern, 0.025%; no homozygotes.

Submissions (3):

Labcorp Genetics (formerly Invitae), Labcorp
Classification: Uncertain significance. Last evaluated: 2025-10-10. Review status: criteria provided, single submitter. Criteria: Invitae Variant Classification Sherloc (09022015). Collection method: clinical testing. Allele origin: germline.
Comment: This sequence change replaces threonine, which is neutral and polar, with isoleucine, which is neutral and non-polar, at codon 146 of the POLA1 protein (p.Thr146Ile). This variant is present in population databases (rs767564863, gnomAD 0.01%), including at least one homozygous and/or hemizygous individual. This variant has not been reported in the literature in individuals affected with POLA1-related conditions. ClinVar contains an entry for this variant (Variation ID: 1018458). Invitae Evidence Modeling of protein sequence and biophysical properties (such as structural, functional, and spatial information, amino acid conservation, physicochemical variation, residue mobility, and thermodynamic stability) indicates that this missense variant is not expected to disrupt POLA1 protein function with a negative predictive value of 80%. In summary, the available evidence is currently insufficient to determine the role of this variant in disease. Therefore, it has been classified as a Variant of Uncertain Significance.

CeGaT Center for Human Genetics Tuebingen
Classification: Likely benign. Last evaluated: 2023-06-01. Review status: criteria provided, single submitter. Criteria: CeGaT Center For Human Genetics Tuebingen Variant Classification Criteria Version 2. Collection method: clinical testing. Allele origin: germline. Affected: yes. Observed: 1 variant allele.
Comment: POLA1: BP4

Ambry Genetics
Classification: Likely benign for Inborn genetic diseases. Last evaluated: 2023-02-16. Review status: criteria provided, single submitter. Criteria: Ambry Variant Classification Scheme 2023. Collection method: clinical testing. Allele origin: germline.